The following is an entry in ClinVar:

ClinVar aggregate classification (germline): Likely pathogenic (1 of 4 stars; one submission).

Conditions:
Dilated cardiomyopathy 1G (CMD1G). Identifiers: Orphanet 154, MedGen C1858763, MONDO:0011400, OMIM 604145.
Autosomal recessive limb-girdle muscular dystrophy type 2J (LGMDR10). Also called: Limb-girdle muscular dystrophy, type 2J; MUSCULAR DYSTROPHY, LIMB-GIRDLE, AUTOSOMAL RECESSIVE 10. Identifiers: Orphanet 140922, MedGen C1837342, MONDO:0012127, OMIM 608807.

Submission:

Labcorp Genetics (formerly Invitae), Labcorp
Classification: Likely pathogenic for Dilated cardiomyopathy 1G; Autosomal recessive limb-girdle muscular dystrophy type 2J. Last evaluated: 2024-10-15. Review status: criteria provided, single submitter. Criteria: Invitae Variant Classification Sherloc (09022015). Collection method: clinical testing. Allele origin: germline.
Comment: This sequence change creates a premature translational stop signal (p.Pro19580Leufs*18) in the TTN gene. While this is not anticipated to result in nonsense mediated decay, it is expected to create a truncated TTN protein. This variant is not present in population databases (gnomAD no frequency). This variant has not been reported in the literature in individuals affected with TTN-related conditions. This variant is located in the A band of TTN (PMID: 25589632). Truncating variants in this region are significantly overrepresented in patients affected with dilated cardiomyopathy (PMID: 25589632). Truncating variants in this region have also been reported in individuals affected with autosomal recessive centronuclear myopathy (PMID: 23975875). In summary, the currently available evidence indicates that the variant is pathogenic, but additional data are needed to prove that conclusively. Therefore, this variant has been classified as Likely Pathogenic.

Literature cited by the submitters: PubMed 25589632; PubMed 23975875.

NM_001267550.2(TTN):c.58739del (p.Pro19580fs)

Genes: TTN (titin; minus strand), TTN-AS1 (TTN antisense RNA 1; plus strand). Cytogenetic location: 2q31.2.
Variant type: Deletion.
Coding change: c.58739del on transcript NM_001267550.2 (MANE Select); coding-DNA position 58739, one base deleted (C; older notation c.58739delC).
Protein change: p.Pro19580fs; shifts the reading frame from proline 19580.
Molecular consequence: frameshift variant.
Genome position (GRCh38, 1-based): chr2:178,593,469, G deleted on the plus strand (C on the coding strand, the reverse complement: TTN is on the minus strand); the first of 2 consecutive G bases (chr2:178,593,469-178,593,470); deleting either gives the same sequence. VCF-style (leftmost placement, unchanged base first): chr2-178593468-AG-A. GRCh37 (hg19) VCF-style: chr2-179458195-AG-A.
Other names: c.53816del, p.Pro17939fs (NM_001256850.1); c.31544del, p.Pro10515fs (NM_003319.4); c.51035del, p.Pro17012fs (NM_133378.4); c.31919del, p.Pro10640fs (NM_133432.3); c.32120del, p.Pro10707fs (NM_133437.4); short protein forms P10515fs, P10640fs, P10707fs, P17012fs, P17939fs, P19580fs.
Identifiers: ClinVar variation 3759465 (VCV003759465.2).